The following is an entry in ClinVar:

NM_001851.6(COL9A1):c.2112+4A>G

Gene: COL9A1 (collagen type IX alpha 1 chain; minus strand). Cytogenetic location: 6q13.
Variant type: single nucleotide variant.
Coding change: c.2112+4A>G on transcript NM_001851.6 (MANE Select); 4 bases into the intron after coding-DNA position 2112, A replaced by G.
Molecular consequence: intron variant.
Genome position (GRCh38, 1-based): chr6:70,239,250, T>C on the plus strand (A>G on the coding strand, the complement: COL9A1 is on the minus strand). VCF-style: chr6-70239250-T-C. GRCh37 (hg19) VCF-style: chr6-70948953-T-C.
Other names: c.1383+4A>G (NM_001377290.1, NM_078485.4); c.1413+4A>G (NM_001377289.1).
Identifiers: ClinVar variation 1941211 (VCV001941211.5), dbSNP rs1770099883, ClinGen allele CA1090275934.
Genomic context (GRCh38, chr6:70,239,250, plus strand): 5'-ATATATTCTACAGCTTTATTAATGTTTTTAATTTTTTTATACCATTACTATTCACCATAC[T>C]TACAGATCCCTTTGGGCCAGGTAATCCTATATCTCCCTAAATCAATAAAAGAAATTTATG-3'

ClinVar aggregate classification (germline): Uncertain significance (1 of 4 stars; one submission).

Allele frequency attached by ClinVar (database versions not stated): gnomAD exomes below 0.00001; gnomAD 0.00001.
gnomAD v4.1: 8 of 1,546,134 alleles (0.00052%); highest among the groups gnomAD compares: Non-Finnish European, 0.00045%; no homozygotes.

Submission:

Labcorp Genetics (formerly Invitae), Labcorp
Classification: Uncertain significance. Last evaluated: 2022-03-01. Review status: criteria provided, single submitter. Criteria: Invitae Variant Classification Sherloc (09022015). Collection method: clinical testing. Allele origin: germline.
Comment: This sequence change falls in intron 33 of the COL9A1 gene. It does not directly change the encoded amino acid sequence of the COL9A1 protein. It affects a nucleotide within the consensus splice site. This variant is not present in population databases (gnomAD no frequency). This variant has not been reported in the literature in individuals affected with COL9A1-related conditions. Variants that disrupt the consensus splice site are a relatively common cause of aberrant splicing (PMID: 17576681, 9536098). Algorithms developed to predict the effect of sequence changes on RNA splicing suggest that this variant may disrupt the consensus splice site. In summary, the available evidence is currently insufficient to determine the role of this variant in disease. Therefore, it has been classified as a Variant of Uncertain Significance.

Literature cited by the submitters: PubMed 17576681; PubMed 9536098.